The following is an entry in ClinVar:

NM_004612.4(TGFBR1):c.648T>A (p.Phe216Leu)

Gene: TGFBR1 (transforming growth factor beta receptor 1; plus strand). Cytogenetic location: 9q22.33.
Variant type: single nucleotide variant.
Coding change: c.648T>A on transcript NM_004612.4 (MANE Select); coding-DNA position 648, T replaced by A.
Protein change: p.Phe216Leu; replaces phenylalanine 216 with leucine.
Molecular consequence: missense variant. On other transcripts: non-coding transcript variant (4), intron variant (2).
Genome position (GRCh38, 1-based): chr9:99,137,932, T>A. VCF-style: chr9-99137932-T-A. GRCh37 (hg19) VCF-style: chr9-101900214-T-A.
Other names: c.441T>A, p.Phe147Leu (NM_001407423.1, NM_001407424.1, NM_001407425.1 and 8 more transcripts); c.402T>A, p.Phe134Leu (NM_001407436.1); c.171T>A, p.Phe57Leu (NM_001407438.1); c.575-4604T>A (NM_001407435.1); c.98-4604T>A (NM_001407437.1); c.417T>A, p.Phe139Leu (NM_001130916.3); c.660T>A, p.Phe220Leu (NM_001306210.2, NM_001407416.1); c.648T>A, p.Phe216Leu (NM_001407417.1); and 1 more; short protein forms F134L, F139L, F147L, F151L, F216L, F220L, F57L.
Identifiers: ClinVar variation 4820494 (VCV004820494.1).
Genomic context (GRCh38, chr9:99,137,932, plus strand): 5'-TGTTCAGAGAACAATTGCGAGAACTATTGTGTTACAAGAAAGCATTGGCAAAGGTCGATT[T>A]GGAGAAGTTTGGAGAGGAAAGTGGCGGGGAGAAGAAGTTGCTGTTAAGATATTCTCCTCT-3'
Protein context (NP_004603.1, residues 206-226): VLQESIGKGR[Phe216Leu]GEVWRGKWRG

ClinVar aggregate classification (germline): Uncertain significance (1 of 4 stars; one submission).

Conditions:
Cardiovascular phenotype. Identifiers: MedGen CN230736.

Submission:

Molecular Diagnostic Laboratory for Inherited Cardiovascular Disease, Montreal Heart Institute
Classification: Uncertain significance for Cardiovascular phenotype. Last evaluated: 2026-03-27. Review status: criteria provided, single submitter. Criteria: ACMG Guidelines, 2015. Collection method: clinical testing. Allele origin: germline. Affected: yes.
Comment: PM1, PM2, PP2, PP3